The following is an entry in ClinVar:

NM_001006658.3(CR2):c.1346A>G (p.Glu449Gly)

Gene: CR2 (complement C3d receptor 2; plus strand). Cytogenetic location: 1q32.2.
Variant type: single nucleotide variant.
Coding change: c.1346A>G on transcript NM_001006658.3 (MANE Select); coding-DNA position 1346, A replaced by G.
Protein change: p.Glu449Gly; replaces glutamic acid 449 with glycine.
Molecular consequence: missense variant.
Genome position (GRCh38, 1-based): chr1:207,470,860, A>G. VCF-style: chr1-207470860-A-G. GRCh37 (hg19) VCF-style: chr1-207644205-A-G.
Other names: c.1346A>G, p.Glu449Gly (NM_001877.5); short protein forms E449G.
Identifiers: ClinVar variation 941005 (VCV000941005.9), dbSNP rs1658255161, ClinGen allele CA344530472.

ClinVar aggregate classification (germline): Uncertain significance (1 of 4 stars; one submission).

Conditions:
Immunodeficiency, common variable, 7. Identifiers: Orphanet 1572, Orphanet 696894, MedGen C3542922, MONDO:0013862, OMIM 614699.

Submission:

Labcorp Genetics (formerly Invitae), Labcorp
Classification: Uncertain significance for Immunodeficiency, common variable, 7. Last evaluated: 2019-09-25. Review status: criteria provided, single submitter. Criteria: Invitae Variant Classification Sherloc (09022015). Collection method: clinical testing. Allele origin: germline.
Comment: In summary, the available evidence is currently insufficient to determine the role of this variant in disease. Therefore, it has been classified as a Variant of Uncertain Significance. Algorithms developed to predict the effect of missense changes on protein structure and function (SIFT, PolyPhen-2, Align-GVGD) all suggest that this variant is likely to be tolerated, but these predictions have not been confirmed by published functional studies and their clinical significance is uncertain. This variant has not been reported in the literature in individuals with CR2-related conditions. This variant is not present in population databases (ExAC no frequency). This sequence change replaces glutamic acid with glycine at codon 449 of the CR2 protein (p.Glu449Gly). The glutamic acid residue is weakly conserved and there is a moderate physicochemical difference between glutamic acid and glycine.